The following is an entry in ClinVar:

ClinVar aggregate classification (germline): Uncertain significance. Review status: criteria provided, multiple submitters, no conflicts (2 of 4 stars). 2 submissions from 2 submitters: Uncertain significance (2). Last evaluated 2025-11-25.

Conditions:
Early-infantile DEE. Also called: Early infantile epileptic encephalopathy; Ohtahara syndrome; Early infantile epileptic encephalopathy with suppression bursts. Identifiers: Orphanet 1934, MedGen C0393706, MONDO:0800491.

Allele frequency attached by ClinVar (database versions not stated): gnomAD exomes 0.00002 and 0.00003; gnomAD 0.00003; ExAC 0.00004; TOPMed 0.00005.
gnomAD v4.1: 38 of 1,613,192 alleles (0.0024%); highest among the groups gnomAD compares: African/African-American, 0.012%; no homozygotes.

Submissions (2):

Labcorp Genetics (formerly Invitae), Labcorp
Classification: Uncertain significance for Early-infantile DEE. Last evaluated: 2025-11-25. Review status: criteria provided, single submitter. Criteria: Invitae Variant Classification Sherloc (09022015). Collection method: clinical testing. Allele origin: germline.
Comment: This sequence change replaces valine, which is neutral and non-polar, with isoleucine, which is neutral and non-polar, at codon 1257 of the SCN8A protein (p.Val1257Ile). This variant is present in population databases (rs750829844, gnomAD 0.01%). This variant has not been reported in the literature in individuals affected with SCN8A-related conditions. ClinVar contains an entry for this variant (Variation ID: 207116). Invitae Evidence Modeling of protein sequence and biophysical properties (such as structural, functional, and spatial information, amino acid conservation, physicochemical variation, residue mobility, and thermodynamic stability) indicates that this missense variant is not expected to disrupt SCN8A protein function with a negative predictive value of 95%. In summary, the available evidence is currently insufficient to determine the role of this variant in disease. Therefore, it has been classified as a Variant of Uncertain Significance.

GeneDx
Classification: Uncertain significance. Last evaluated: 2015-10-30. Review status: criteria provided, single submitter. Criteria: GeneDx Variant Classification (06012015). Collection method: clinical testing. Allele origin: germline. Affected: yes.
Comment: The Val1257Ile missense change has not been published as a mutation, nor has it been reported as a benign polymorphism to our knowledge. It was not observed in approximately 6,500 individuals of European and African American ancestry in the NHLBI Exome Sequencing Project, indicating it is not a common benign variant in these populations. This variant is a conservative substitution of one uncharged, non-polar amino acid for another. It alters a highly conserved residue between the S2 and S3 segments of the third transmembrane domain. In silico analysis is inconsistent with regard to the effect this variant may have on the protein structure/function. Therefore, based on the currently available information, it is unclear whether Val1257Ile is a disease-causing mutation or a rare benign variant. The variant is found in EPILEPSY panel(s).

NM_001330260.2(SCN8A):c.3769G>A (p.Val1257Ile)

Gene: SCN8A (sodium voltage-gated channel alpha subunit 8; plus strand). Cytogenetic location: 12q13.13.
Variant type: single nucleotide variant.
Coding change: c.3769G>A on transcript NM_001330260.2 (MANE Select); coding-DNA position 3769, G replaced by A.
Protein change: p.Val1257Ile; replaces valine 1257 with isoleucine.
Molecular consequence: missense variant.
Genome position (GRCh38, 1-based): chr12:51,774,312, G>A. VCF-style: chr12-51774312-G-A. GRCh37 (hg19) VCF-style: chr12-52168096-G-A.
Other names: p.V1257I:GTC>ATC; c.3769G>A, p.Val1257Ile (NM_001177984.3, NM_001369788.1, NM_014191.4); short protein forms V1257I.
Identifiers: ClinVar variation 207116 (VCV000207116.12), dbSNP rs750829844, ClinGen allele CA318270.